The following is an entry in ClinVar:

NM_000384.3(APOB):c.2686A>G (p.Arg896Gly)

Gene: APOB (apolipoprotein B; minus strand). Cytogenetic location: 2p24.1.
Variant type: single nucleotide variant.
Coding change: c.2686A>G on transcript NM_000384.3 (MANE Select); coding-DNA position 2686, A replaced by G.
Protein change: p.Arg896Gly; replaces arginine 896 with glycine.
Molecular consequence: missense variant.
Genome position (GRCh38, 1-based): chr2:21,022,961, T>C on the plus strand (A>G on the coding strand, the complement: APOB is on the minus strand). VCF-style: chr2-21022961-T-C. GRCh37 (hg19) VCF-style: chr2-21245833-T-C.
Other names: short protein forms R896G.
Identifiers: ClinVar variation 5027620 (VCV005027620.1).

ClinVar aggregate classification (germline): Uncertain significance (1 of 4 stars; one submission).

Conditions:
Cardiovascular phenotype. Identifiers: MedGen CN230736.

gnomAD v4.1: 3 of 1,614,176 alleles (0.00019%); highest among the groups gnomAD compares: Non-Finnish European, 0.000085%; no homozygotes.

Submission:

Ambry Genetics
Classification: Uncertain significance for Cardiovascular phenotype. Last evaluated: 2026-07-07. Review status: criteria provided, single submitter. Criteria: Ambry Variant Classification Scheme 2023. Collection method: clinical testing. Allele origin: germline.
Comment: The p.R896G variant (also known as c.2686A>G), located in coding exon 18 of the APOB gene, results from an A to G substitution at nucleotide position 2686. The arginine at codon 896 is replaced by glycine, an amino acid with dissimilar properties. This amino acid position is conserved. In addition, this alteration is predicted to be tolerated by in silico analysis. Based on the available evidence, the clinical significance of this variant remains unclear.